The following is an entry in ClinVar:

ClinVar aggregate classification (germline): Uncertain significance (1 of 4 stars; one submission).

Conditions:
Hypertrophic cardiomyopathy. Also called: HYPERTROPHIC MYOCARDIOPATHY. Identifiers: Orphanet 217569, MedGen C0007194, MeSH D002312, MONDO:0005045, HP:0001639.

Allele frequency attached by ClinVar (database versions not stated): TOPMed below 0.00001.

Submission:

Labcorp Genetics (formerly Invitae), Labcorp
Classification: Uncertain significance for Hypertrophic cardiomyopathy. Last evaluated: 2021-04-14. Review status: criteria provided, single submitter. Criteria: Invitae Variant Classification Sherloc (09022015). Collection method: clinical testing. Allele origin: germline.
Comment: This sequence change replaces glutamic acid with lysine at codon 242 of the MYOZ2 protein (p.Glu242Lys). The glutamic acid residue is highly conserved and there is a small physicochemical difference between glutamic acid and lysine. This variant is not present in population databases (ExAC no frequency). This variant has not been reported in the literature in individuals with MYOZ2-related conditions. Algorithms developed to predict the effect of missense changes on protein structure and function are either unavailable or do not agree on the potential impact of this missense change (SIFT: "Tolerated"; PolyPhen-2: "Possibly Damaging"; Align-GVGD: "Class C0"). In summary, the available evidence is currently insufficient to determine the role of this variant in disease. Therefore, it has been classified as a Variant of Uncertain Significance.

NM_016599.5(MYOZ2):c.724G>A (p.Glu242Lys)

Gene: MYOZ2 (myozenin 2; plus strand). Cytogenetic location: 4q26.
Variant type: single nucleotide variant.
Coding change: c.724G>A on transcript NM_016599.5 (MANE Select); coding-DNA position 724, G replaced by A.
Protein change: p.Glu242Lys; replaces glutamic acid 242 with lysine.
Molecular consequence: missense variant.
Genome position (GRCh38, 1-based): chr4:119,186,129, G>A. VCF-style: chr4-119186129-G-A. GRCh37 (hg19) VCF-style: chr4-120107284-G-A.
Other names: short protein forms E242K.
Identifiers: ClinVar variation 1472592 (VCV001472592.8), dbSNP rs1742288958, ClinGen allele CA358202323.